The following is an entry in ClinVar:

NM_016148.5(SHANK1):c.2048-8G>T

Gene: SHANK1 (SH3 and multiple ankyrin repeat domains 1; minus strand). Cytogenetic location: 19q13.33.
Variant type: single nucleotide variant.
Coding change: c.2048-8G>T on transcript NM_016148.5 (MANE Select); 8 bases into the intron before coding-DNA position 2048, G replaced by T.
Molecular consequence: intron variant.
Genome position (GRCh38, 1-based): chr19:50,688,976, C>A on the plus strand (G>T on the coding strand, the complement: SHANK1 is on the minus strand). VCF-style: chr19-50688976-C-A. GRCh37 (hg19) VCF-style: chr19-51192233-C-A.
Identifiers: ClinVar variation 2650361 (VCV002650361.25), dbSNP rs764112317, ClinGen allele CA9601632.
Genomic context (GRCh38, chr19:50,688,976, plus strand): 5'-CTGCAGCGCCGGGAAGGCCGGGGTGGGGGTGAACTCCTCGATGGGGGTCTGCGCTGCAGA[C>A]AGGGAGGAGCCGGCGGGGTCGGAGGGGAGGGGGTGGAGAGGCCGAGCAGGGGATGGGGCT-3'

ClinVar aggregate classification (germline): Benign/Likely benign. Review status: criteria provided, multiple submitters, no conflicts (2 of 4 stars). 2 submissions from 2 submitters: Benign (1); Likely benign (1). Last evaluated 2025-08-01.

gnomAD v4.1: 899 of 1,538,364 alleles (0.058%); highest among the groups gnomAD compares: Non-Finnish European, 0.071%; 1 homozygote.

Submissions (2):

CeGaT Center for Human Genetics Tuebingen
Classification: Benign. Last evaluated: 2025-08-01. Review status: criteria provided, single submitter. Criteria: CeGaT Center For Human Genetics Tuebingen Variant Classification Criteria Version 2. Collection method: clinical testing. Allele origin: germline. Affected: yes. Observed: 2 variant alleles.
Comment: SHANK1: BS1, BS2

Blueprint Genetics
Classification: Likely benign. Last evaluated: 2024-11-25. Review status: criteria provided, single submitter. Criteria: ACMG Guidelines, 2015. Collection method: clinical testing. Allele origin: germline.